The following is an entry in ClinVar:

ClinVar aggregate classification (germline): Likely benign. Review status: criteria provided, multiple submitters, no conflicts (2 of 4 stars). 3 submissions from 3 submitters: Likely benign (2). 1 of the submissions does not count toward it. Last evaluated 2025-04-26.

Conditions:
EP300-related disorder. Also called: EP300-related disorders; EP300-related condition.
Rubinstein-Taybi syndrome due to EP300 haploinsufficiency. Also called: EP300-Related Rubinstein-Taybi Syndrome; RUBINSTEIN-TAYBI SYNDROME 2. Identifiers: Orphanet 353284, Orphanet 783, MedGen C3150941, MONDO:0013364, OMIM 613684.

Allele frequency attached by ClinVar (database versions not stated): gnomAD exomes below 0.00001; gnomAD 0.00001; ExAC 0.00002.
gnomAD v4.1: 8 of 1,614,010 alleles (0.0005%); highest among the groups gnomAD compares: East Asian, 0.0045%; no homozygotes.

Submissions (3):

Labcorp Genetics (formerly Invitae), Labcorp
Classification: Likely benign for Rubinstein-Taybi syndrome due to EP300 haploinsufficiency. Last evaluated: 2025-04-26. Review status: criteria provided, single submitter. Criteria: Invitae Variant Classification Sherloc (09022015). Collection method: clinical testing. Allele origin: germline.

CeGaT Center for Human Genetics Tuebingen
Classification: Likely benign. Last evaluated: 2024-07-01. Review status: criteria provided, single submitter. Criteria: CeGaT Center For Human Genetics Tuebingen Variant Classification Criteria Version 2. Collection method: clinical testing. Allele origin: germline. Affected: yes. Observed: 1 variant allele.
Comment: EP300: BS1:Supporting

PreventionGenetics, part of Exact Sciences
Classification: Uncertain significance for EP300-related condition. Last evaluated: 2023-10-18. Review status: no assertion criteria provided. Collection method: clinical testing. Allele origin: germline. Not counted in ClinVar's aggregate classification.
Comment: The EP300 c.3355G>A variant is predicted to result in the amino acid substitution p.Asp1119Asn. To our knowledge, this variant has not been reported in the literature. This variant is reported in 0.0054% of alleles in individuals of East Asian descent in gnomAD. At this time, the clinical significance of this variant is uncertain due to the absence of conclusive functional and genetic evidence.

NM_001429.4(EP300):c.3355G>A (p.Asp1119Asn)

Gene: EP300 (EP300 lysine acetyltransferase; plus strand). Cytogenetic location: 22q13.2.
Variant type: single nucleotide variant.
Coding change: c.3355G>A on transcript NM_001429.4 (MANE Select); coding-DNA position 3355, G replaced by A.
Protein change: p.Asp1119Asn; replaces aspartic acid 1119 with asparagine.
Molecular consequence: missense variant.
Genome position (GRCh38, 1-based): chr22:41,157,262, G>A. VCF-style: chr22-41157262-G-A. GRCh37 (hg19) VCF-style: chr22-41553266-G-A.
Other names: c.3277G>A, p.Asp1093Asn (NM_001362843.2); short protein forms D1093N, D1119N.
Identifiers: ClinVar variation 3044319 (VCV003044319.19), dbSNP rs759315982, ClinGen allele CA10253110.